The following is an entry in ClinVar:

ClinVar aggregate classification (germline): Uncertain significance (1 of 4 stars; one submission).

Conditions:
RASopathy. Also called: rasopathies; Noonan spectrum disorder. Identifiers: Orphanet 536391, MedGen C5555857, MONDO:0021060.

Submission:

Labcorp Genetics (formerly Invitae), Labcorp
Classification: Uncertain significance for RASopathy. Last evaluated: 2023-11-18. Review status: criteria provided, single submitter. Criteria: Invitae Variant Classification Sherloc (09022015). Collection method: clinical testing. Allele origin: germline.
Comment: This sequence change replaces asparagine, which is neutral and polar, with lysine, which is basic and polar, at codon 1251 of the SOS1 protein (p.Asn1251Lys). This variant is not present in population databases (gnomAD no frequency). This variant has not been reported in the literature in individuals affected with SOS1-related conditions. ClinVar contains an entry for this variant (Variation ID: 1404895). Advanced modeling of protein sequence and biophysical properties (such as structural, functional, and spatial information, amino acid conservation, physicochemical variation, residue mobility, and thermodynamic stability) performed at Invitae indicates that this missense variant is not expected to disrupt SOS1 protein function with a negative predictive value of 95%. In summary, the available evidence is currently insufficient to determine the role of this variant in disease. Therefore, it has been classified as a Variant of Uncertain Significance.

NM_005633.4(SOS1):c.3753C>G (p.Asn1251Lys)

Gene: SOS1 (SOS Ras/Rac guanine nucleotide exchange factor 1; minus strand). Cytogenetic location: 2p22.1.
Variant type: single nucleotide variant.
Coding change: c.3753C>G on transcript NM_005633.4 (MANE Select); coding-DNA position 3753, C replaced by G.
Protein change: p.Asn1251Lys; replaces asparagine 1251 with lysine.
Molecular consequence: missense variant.
Genome position (GRCh38, 1-based): chr2:38,986,073, G>C on the plus strand (C>G on the coding strand, the complement: SOS1 is on the minus strand). VCF-style: chr2-38986073-G-C. GRCh37 (hg19) VCF-style: chr2-39213214-G-C.
Other names: c.3732C>G, p.Asn1244Lys (NM_001382394.1); c.3708C>G, p.Asn1236Lys (NM_001382395.1); short protein forms N1236K, N1244K, N1251K.
Identifiers: ClinVar variation 1404895 (VCV001404895.6), dbSNP rs2124454963, ClinGen allele CA346362384.